The following is an entry in ClinVar:

ClinVar aggregate classification (germline): Uncertain significance. Review status: criteria provided, multiple submitters, no conflicts (2 of 4 stars). 2 submissions from 2 submitters: Uncertain significance (2). Last evaluated 2024-05-10.

Conditions:
Cardiovascular phenotype. Identifiers: MedGen CN230736.
Long QT syndrome (LQTS). Identifiers: MedGen C0023976, MeSH D008133, MONDO:0002442. Disease mechanism: loss of function. Inheritance: Various modes of inheritance.

Allele frequency attached by ClinVar (database versions not stated): ExAC 0.00001; gnomAD 0.00001; gnomAD exomes 0.00001 and 0.00002; TOPMed 0.00002.
gnomAD v4.1: 10 of 1,614,072 alleles (0.00062%); highest among the groups gnomAD compares: South Asian, 0.0033%; no homozygotes.

Submissions (2):

Ambry Genetics
Classification: Uncertain significance for Cardiovascular phenotype. Last evaluated: 2024-05-10. Review status: criteria provided, single submitter. Criteria: Ambry Variant Classification Scheme 2023. Collection method: clinical testing. Allele origin: germline.
Comment: The p.R3758C variant (also known as c.11272C>T), located in coding exon 46 of the AKAP9 gene, results from a C to T substitution at nucleotide position 11272. The arginine at codon 3758 is replaced by cysteine, an amino acid with highly dissimilar properties. This amino acid position is not well conserved in available vertebrate species. In addition, this alteration is predicted to be tolerated by in silico analysis. The evidence for this gene-disease relationship is limited; therefore, the clinical significance of this alteration is unclear.

Labcorp Genetics (formerly Invitae), Labcorp
Classification: Uncertain significance for Long QT syndrome. Last evaluated: 2021-11-27. Review status: criteria provided, single submitter. Criteria: Invitae Variant Classification Sherloc (09022015). Collection method: clinical testing. Allele origin: germline.
Comment: In summary, the available evidence is currently insufficient to determine the role of this variant in disease. Therefore, it has been classified as a Variant of Uncertain Significance. Algorithms developed to predict the effect of missense changes on protein structure and function are either unavailable or do not agree on the potential impact of this missense change (SIFT: "Deleterious"; PolyPhen-2: "Possibly Damaging"; Align-GVGD: "Class C0"). This variant has not been reported in the literature in individuals affected with AKAP9-related conditions. This variant is present in population databases (rs779901993, gnomAD 0.006%). This sequence change replaces arginine, which is basic and polar, with cysteine, which is neutral and slightly polar, at codon 3758 of the AKAP9 protein (p.Arg3758Cys).

Literature cited by the submitters: PubMed 29181379 (cited by Ambry Genetics); PubMed 31847883 (cited by Ambry Genetics).

NM_005751.5(AKAP9):c.11272C>T (p.Arg3758Cys)

Gene: AKAP9 (A-kinase anchoring protein 9; plus strand). Cytogenetic location: 7q21.2.
Variant type: single nucleotide variant.
Coding change: c.11272C>T on transcript NM_005751.5 (MANE Select); coding-DNA position 11272, C replaced by T.
Protein change: p.Arg3758Cys; replaces arginine 3758 with cysteine.
Molecular consequence: missense variant.
Genome position (GRCh38, 1-based): chr7:92,102,768, C>T. VCF-style: chr7-92102768-C-T. GRCh37 (hg19) VCF-style: chr7-91732082-C-T.
Other names: c.5917C>T, p.Arg1973Cys (NM_001379277.1); c.11248C>T, p.Arg3750Cys (NM_147185.3); short protein forms R1973C, R3750C, R3758C.
Identifiers: ClinVar variation 1407358 (VCV001407358.9), dbSNP rs779901993, ClinGen allele CA4338131.